The following is an entry in ClinVar:

ClinVar aggregate classification (germline): Pathogenic (1 of 4 stars; one submission).

Conditions:
Polycystic kidney disease, adult type (PKD1). Also called: POLYCYSTIC KIDNEY DISEASE 1 WITH OR WITHOUT POLYCYSTIC LIVER DISEASE; POLYCYSTIC KIDNEY DISEASE, ADULT, TYPE I; Polycystic Kidney Disease 1, Autosomal Dominant; Polycystic kidney disease 1; Polycystic kidney disease 1, severe; Polycystic Kidney, Autosomal Dominant. Identifiers: MedGen C3149841, MONDO:0008263, OMIM 173900.

Submission:

Fulgent Genetics
Classification: Pathogenic for Polycystic kidney disease, adult type. Last evaluated: 2021-06-30. Review status: criteria provided, single submitter. Criteria: ACMG Guidelines, 2015. Collection method: clinical testing. Allele origin: unknown.
Comment: This variant has been detected in individual(s) who were sent for testing of Renasight - kidney gene panel.

NM_001009944.3(PKD1):c.11557G>T (p.Glu3853Ter)

Genes: PKD1 (polycystin 1, transient receptor potential channel interacting; minus strand), PKD1-AS1 (PKD1 antisense RNA 1; plus strand). Cytogenetic location: 16p13.3.
Variant type: single nucleotide variant.
Coding change: c.11557G>T on transcript NM_001009944.3 (MANE Select); coding-DNA position 11557, G replaced by T.
Protein change: p.Glu3853Ter; replaces glutamic acid 3853 with a stop codon.
Molecular consequence: nonsense. On other transcripts: non-coding transcript variant (1).
Genome position (GRCh38, 1-based): chr16:2,091,578, C>A on the plus strand (G>T on the coding strand, the complement: PKD1 is on the minus strand). VCF-style: chr16-2091578-C-A. GRCh37 (hg19) VCF-style: chr16-2141579-C-A.
Other names: c.11554G>T, p.Glu3852Ter (NM_000296.4); short protein forms E3852*, E3853*.
Identifiers: ClinVar variation 1179204 (VCV001179204.2), dbSNP rs2091580237, ClinGen allele CA394332050.